The following is an entry in ClinVar:

ClinVar aggregate classification (germline): Uncertain significance (1 of 4 stars; one submission).

Conditions:
Autosomal dominant limb-girdle muscular dystrophy type 1G (LGMDD3). Also called: Limb-girdle muscular dystrophy, type 1G; MUSCULAR DYSTROPHY, LIMB-GIRDLE, AUTOSOMAL DOMINANT 3. Identifiers: Orphanet 55596, MedGen C1836765, MONDO:0012193, OMIM 609115.

Submission:

Labcorp Genetics (formerly Invitae), Labcorp
Classification: Uncertain significance for Autosomal dominant limb-girdle muscular dystrophy type 1G. Last evaluated: 2024-04-25. Review status: criteria provided, single submitter. Criteria: Invitae Variant Classification Sherloc (09022015). Collection method: clinical testing. Allele origin: germline.
Comment: This sequence change replaces serine, which is neutral and polar, with proline, which is neutral and non-polar, at codon 98 of the HNRNPDL protein (p.Ser98Pro). This variant is present in population databases (rs746297079, gnomAD 0.002%). This variant has not been reported in the literature in individuals affected with HNRNPDL-related conditions. An algorithm developed to predict the effect of missense changes on protein structure and function (PolyPhen-2) suggests that this variant is likely to be tolerated. In summary, the available evidence is currently insufficient to determine the role of this variant in disease. Therefore, it has been classified as a Variant of Uncertain Significance.

NM_031372.4(HNRNPDL):c.292T>C (p.Ser98Pro)

Gene: HNRNPDL (heterogeneous nuclear ribonucleoprotein D like; minus strand). Cytogenetic location: 4q21.22.
Variant type: single nucleotide variant.
Coding change: c.292T>C on transcript NM_031372.4 (MANE Select); coding-DNA position 292, T replaced by C.
Protein change: p.Ser98Pro; replaces serine 98 with proline.
Molecular consequence: missense variant. On other transcripts: non-coding transcript variant (1).
Genome position (GRCh38, 1-based): chr4:82,429,399, A>G on the plus strand (T>C on the coding strand, the complement: HNRNPDL is on the minus strand). VCF-style: chr4-82429399-A-G. GRCh37 (hg19) VCF-style: chr4-83350552-A-G.
Other names: c.292T>C, p.Ser98Pro (NM_001207000.1); short protein forms S98P.
Identifiers: ClinVar variation 3716955 (VCV003716955.2).